The following is an entry in ClinVar:

ClinVar aggregate classification (germline): Likely benign (1 of 4 stars; one submission).

Submission:

CeGaT Center for Human Genetics Tuebingen
Classification: Likely benign. Last evaluated: 2026-04-01. Review status: criteria provided, single submitter. Criteria: CeGaT Center For Human Genetics Tuebingen Variant Classification Criteria Version 2. Collection method: clinical testing. Allele origin: germline. Affected: yes. Observed: 1 variant allele.
Comment: MAP2K2: PM2:Supporting, BP4, BP7

NM_030662.4(MAP2K2):c.1047C>T (p.Cys349=)

Gene: MAP2K2 (mitogen-activated protein kinase kinase 2; minus strand). Cytogenetic location: 19p13.3.
Variant type: single nucleotide variant.
Coding change: c.1047C>T on transcript NM_030662.4 (MANE Select); coding-DNA position 1047, C replaced by T.
Protein change: p.Cys349=; no amino-acid change (cysteine 349 retained).
Molecular consequence: synonymous variant.
Genome position (GRCh38, 1-based): chr19:4,094,498, G>A on the plus strand (C>T on the coding strand, the complement: MAP2K2 is on the minus strand). VCF-style: chr19-4094498-G-A. GRCh37 (hg19) VCF-style: chr19-4094496-G-A.
Other names: c.768C>T, p.Cys256= (NM_001440688.1); c.477C>T, p.Cys159= (NM_001440689.1).
Identifiers: ClinVar variation 4874280 (VCV004874280.2).